The following is an entry in ClinVar:

NM_005883.3(APC2):c.4031G>A (p.Arg1344Gln)

Gene: APC2 (APC regulator of WNT signaling pathway 2; plus strand). Cytogenetic location: 19p13.3.
Variant type: single nucleotide variant.
Coding change: c.4031G>A on transcript NM_005883.3 (MANE Select); coding-DNA position 4031, G replaced by A.
Protein change: p.Arg1344Gln; replaces arginine 1344 with glutamine.
Molecular consequence: missense variant.
Genome position (GRCh38, 1-based): chr19:1,467,332, G>A. VCF-style: chr19-1467332-G-A. GRCh37 (hg19) VCF-style: chr19-1467331-G-A.
Other names: c.4028G>A, p.Arg1343Gln (NM_001351273.1); short protein forms R1343Q, R1344Q.
Identifiers: ClinVar variation 2576166 (VCV002576166.1), dbSNP rs920741191, ClinGen allele CA304078017.

ClinVar aggregate classification (germline): Uncertain significance (1 of 4 stars; one submission).

Allele frequency attached by ClinVar (database versions not stated): gnomAD 0.00001; TOPMed 0.00002.
gnomAD v4.1: 44 of 1,421,486 alleles (0.0031%); highest among the groups gnomAD compares: Non-Finnish European, 0.0037%; no homozygotes.

Submission:

Institute for Clinical Genetics, University Hospital TU Dresden, University Hospital TU Dresden
Classification: Uncertain significance. Last evaluated: 2023-07-12. Review status: criteria provided, single submitter. Criteria: ACMG Guidelines, 2015. Collection method: clinical testing. Allele origin: maternal.
Comment: PM2_SUP